The following is an entry in ClinVar:

NM_005739.4(RASGRP1):c.527C>T (p.Ala176Val)

Gene: RASGRP1 (RAS guanyl releasing protein 1; minus strand). Cytogenetic location: 15q14.
Variant type: single nucleotide variant.
Coding change: c.527C>T on transcript NM_005739.4 (MANE Select); coding-DNA position 527, C replaced by T.
Protein change: p.Ala176Val; replaces alanine 176 with valine.
Molecular consequence: missense variant.
Genome position (GRCh38, 1-based): chr15:38,516,345, G>A on the plus strand (C>T on the coding strand, the complement: RASGRP1 is on the minus strand). VCF-style: chr15-38516345-G-A. GRCh37 (hg19) VCF-style: chr15-38808546-G-A.
Other names: c.527C>T, p.Ala176Val (NM_001128602.2, NM_001306086.2); short protein forms A176V.
Identifiers: ClinVar variation 3620728 (VCV003620728.2).

ClinVar aggregate classification (germline): Uncertain significance (1 of 4 stars; one submission).

gnomAD v4.1: 20 of 1,610,266 alleles (0.0012%); highest among the groups gnomAD compares: East Asian, 0.016%; no homozygotes.

Submission:

Labcorp Genetics (formerly Invitae), Labcorp
Classification: Uncertain significance. Last evaluated: 2024-08-11. Review status: criteria provided, single submitter. Criteria: Invitae Variant Classification Sherloc (09022015). Collection method: clinical testing. Allele origin: germline.
Comment: This sequence change replaces alanine, which is neutral and non-polar, with valine, which is neutral and non-polar, at codon 176 of the RASGRP1 protein (p.Ala176Val). This variant is present in population databases (rs188455450, gnomAD 0.01%). This variant has not been reported in the literature in individuals affected with RASGRP1-related conditions. Advanced modeling of protein sequence and biophysical properties (such as structural, functional, and spatial information, amino acid conservation, physicochemical variation, residue mobility, and thermodynamic stability) performed at Invitae indicates that this missense variant is not expected to disrupt RASGRP1 protein function with a negative predictive value of 80%. In summary, the available evidence is currently insufficient to determine the role of this variant in disease. Therefore, it has been classified as a Variant of Uncertain Significance.